The following is an entry in ClinVar:

NM_002582.4(PARN):c.1411A>G (p.Ile471Val)

Gene: PARN (poly(A)-specific ribonuclease; minus strand). Cytogenetic location: 16p13.12.
Variant type: single nucleotide variant.
Coding change: c.1411A>G on transcript NM_002582.4 (MANE Select); coding-DNA position 1411, A replaced by G.
Protein change: p.Ile471Val; replaces isoleucine 471 with valine.
Molecular consequence: missense variant.
Genome position (GRCh38, 1-based): chr16:14,552,090, T>C on the plus strand (A>G on the coding strand, the complement: PARN is on the minus strand). VCF-style: chr16-14552090-T-C. GRCh37 (hg19) VCF-style: chr16-14645947-T-C.
Other names: c.1228A>G, p.Ile410Val (NM_001134477.3); c.1273A>G, p.Ile425Val (NM_001242992.2); short protein forms I410V, I425V, I471V.
Identifiers: ClinVar variation 4786146 (VCV004786146.1).

ClinVar aggregate classification (germline): Uncertain significance (1 of 4 stars; one submission).

Conditions:
Pulmonary fibrosis and/or bone marrow failure, Telomere-related, 4. Also called: PULMONARY FIBROSIS AND/OR BONE MARROW FAILURE SYNDROME, TELOMERE-RELATED, 4. Identifiers: Orphanet 2032, MedGen C4225347, MONDO:0014612, OMIM 616371.
Dyskeratosis congenita, autosomal recessive 6 (DKCB6). Identifiers: MedGen C4225356, MONDO:0014600, OMIM 616353.

gnomAD v4.1: 3 of 1,603,632 alleles (0.00019%); highest among the groups gnomAD compares: Non-Finnish European, 0.00026%; no homozygotes.

Submission:

Labcorp Genetics (formerly Invitae), Labcorp
Classification: Uncertain significance for Dyskeratosis congenita, autosomal recessive 6; Pulmonary fibrosis and/or bone marrow failure, Telomere-related, 4. Last evaluated: 2025-11-18. Review status: criteria provided, single submitter. Criteria: Invitae Variant Classification Sherloc (09022015). Collection method: clinical testing. Allele origin: germline.
Comment: This sequence change replaces isoleucine, which is neutral and non-polar, with valine, which is neutral and non-polar, at codon 471 of the PARN protein (p.Ile471Val). This variant is present in population databases (rs781398276, gnomAD 0.0009%). This variant has not been reported in the literature in individuals affected with PARN-related conditions. Invitae Evidence Modeling of protein sequence and biophysical properties (such as structural, functional, and spatial information, amino acid conservation, physicochemical variation, residue mobility, and thermodynamic stability) indicates that this missense variant is not expected to disrupt PARN protein function with a negative predictive value of 80%. In summary, the available evidence is currently insufficient to determine the role of this variant in disease. Therefore, it has been classified as a Variant of Uncertain Significance.